The following is an entry in ClinVar:

ClinVar aggregate classification (germline): Uncertain significance (1 of 4 stars; one submission).

Conditions:
Pitt-Hopkins-like syndrome 2 (PTHSL2). Identifiers: Orphanet 221150, Orphanet 600663, MedGen C3280479, MONDO:0013690, OMIM 614325.

Submission:

Labcorp Genetics (formerly Invitae), Labcorp
Classification: Uncertain significance for Pitt-Hopkins-like syndrome 2. Last evaluated: 2024-03-06. Review status: criteria provided, single submitter. Criteria: Invitae Variant Classification Sherloc (09022015). Collection method: clinical testing. Allele origin: germline.
Comment: This sequence change replaces serine, which is neutral and polar, with alanine, which is neutral and non-polar, at codon 1388 of the NRXN1 protein (p.Ser1388Ala). This variant is not present in population databases (gnomAD no frequency). This variant has not been reported in the literature in individuals affected with NRXN1-related conditions. Advanced modeling of protein sequence and biophysical properties (such as structural, functional, and spatial information, amino acid conservation, physicochemical variation, residue mobility, and thermodynamic stability) performed at Invitae indicates that this missense variant is not expected to disrupt NRXN1 protein function with a negative predictive value of 80%. In summary, the available evidence is currently insufficient to determine the role of this variant in disease. Therefore, it has been classified as a Variant of Uncertain Significance.

NM_001330078.2(NRXN1):c.4042T>G (p.Ser1348Ala)

Gene: NRXN1 (neurexin 1; minus strand). Cytogenetic location: 2p16.3.
Variant type: single nucleotide variant.
Coding change: c.4042T>G on transcript NM_001330078.2 (MANE Select); coding-DNA position 4042, T replaced by G.
Protein change: p.Ser1348Ala; replaces serine 1348 with alanine.
Molecular consequence: missense variant.
Genome position (GRCh38, 1-based): chr2:50,053,357, A>C on the plus strand (T>G on the coding strand, the complement: NRXN1 is on the minus strand). VCF-style: chr2-50053357-A-C. GRCh37 (hg19) VCF-style: chr2-50280495-A-C.
Other names: c.4162T>G, p.Ser1388Ala (NM_001135659.3); c.4018T>G, p.Ser1340Ala (NM_001330077.2, NM_001330082.2); c.3886T>G, p.Ser1296Ala (NM_001330083.2); c.3976T>G, p.Ser1326Ala (NM_001330084.2); c.4015T>G, p.Ser1339Ala (NM_001330085.2); c.4042T>G, p.Ser1348Ala (NM_001330086.2); c.3841T>G, p.Ser1281Ala (NM_001330087.2, NM_001330096.2); c.3871T>G, p.Ser1291Ala (NM_001330088.2); and 6 more; short protein forms S1326A, S1340A, S1344A, S313A, S1281A, S1339A, S1348A, S1388A.
Identifiers: ClinVar variation 3643690 (VCV003643690.2).